The following is an entry in ClinVar:

NM_001367561.1(DOCK7):c.4648T>C (p.Cys1550Arg)

Gene: DOCK7 (dedicator of cytokinesis 7; minus strand). Cytogenetic location: 1p31.3.
Variant type: single nucleotide variant.
Coding change: c.4648T>C on transcript NM_001367561.1 (MANE Select); coding-DNA position 4648, T replaced by C.
Protein change: p.Cys1550Arg; replaces cysteine 1550 with arginine.
Molecular consequence: missense variant.
Genome position (GRCh38, 1-based): chr1:62,504,746, A>G on the plus strand (T>C on the coding strand, the complement: DOCK7 is on the minus strand). VCF-style: chr1-62504746-A-G. GRCh37 (hg19) VCF-style: chr1-62970417-A-G.
Other names: c.4621T>C, p.Cys1541Arg (NM_001271999.2, NM_001330614.2); c.4528T>C, p.Cys1510Arg (NM_001272000.2, NM_001272001.2); c.4555T>C, p.Cys1519Arg (NM_033407.4); short protein forms C1510R, C1519R, C1541R, C1550R.
Identifiers: ClinVar variation 3778435 (VCV003778435.7).

ClinVar aggregate classification (germline): Uncertain significance (1 of 4 stars; one submission).

Submission:

CeGaT Center for Human Genetics Tuebingen
Classification: Uncertain significance. Last evaluated: 2025-02-01. Review status: criteria provided, single submitter. Criteria: CeGaT Center For Human Genetics Tuebingen Variant Classification Criteria Version 2. Collection method: clinical testing. Allele origin: germline. Affected: yes. Observed: 1 variant allele.
Comment: DOCK7: PM2, PP3